The following is an entry in ClinVar:

NM_014915.3(ANKRD26):c.4259G>A (p.Cys1420Tyr)

Gene: ANKRD26 (ankyrin repeat domain 26; minus strand). Cytogenetic location: 10p12.1.
Variant type: single nucleotide variant.
Coding change: c.4259G>A on transcript NM_014915.3 (MANE Select); coding-DNA position 4259, G replaced by A.
Protein change: p.Cys1420Tyr; replaces cysteine 1420 with tyrosine.
Molecular consequence: missense variant.
Genome position (GRCh38, 1-based): chr10:27,017,749, C>T on the plus strand (G>A on the coding strand, the complement: ANKRD26 is on the minus strand). VCF-style: chr10-27017749-C-T. GRCh37 (hg19) VCF-style: chr10-27306678-C-T.
Other names: p.Cys1420Tyr; c.4256G>A, p.Cys1419Tyr (NM_001256053.2); short protein forms C1420Y, C1419Y.
Identifiers: ClinVar variation 210184 (VCV000210184.37), dbSNP rs146159734, ClinGen allele CA208914.

ClinVar aggregate classification (germline): Benign/Likely benign. Review status: criteria provided, multiple submitters, no conflicts (2 of 4 stars). 9 submissions from 9 submitters: Benign (6); Likely benign (2). 1 of the submissions does not count toward it. Last evaluated 2026-02-02.

Conditions:
ANKRD26-related disorder. Also called: ANKRD26-related condition.
Thrombocytopenia 2 (THC2). Also called: ANKRD26-Related Thrombocytopenia. Identifiers: Orphanet 268322, MedGen C1861185, MONDO:0008555, OMIM 188000.

Allele frequency attached by ClinVar (database versions not stated): gnomAD 0.00138 and 0.00166; ESP Exome Variant Server 0.00145; TOPMed 0.00189; gnomAD exomes 0.00232 and 0.00333; ExAC 0.00352; 1000 Genomes Project 30x 0.00390; 1000 Genomes Project 0.00439.
gnomAD v4.1: 3,696 of 1,613,164 alleles (0.23%); highest among the groups gnomAD compares: Middle Eastern, 1.9%; 26 homozygotes.

Submissions (9):

Labcorp Genetics (formerly Invitae), Labcorp
Classification: Benign. Last evaluated: 2026-02-02. Review status: criteria provided, single submitter. Criteria: Invitae Variant Classification Sherloc (09022015). Collection method: clinical testing. Allele origin: germline.

CeGaT Center for Human Genetics Tuebingen
Classification: Benign. Last evaluated: 2025-07-01. Review status: criteria provided, single submitter. Criteria: CeGaT Center For Human Genetics Tuebingen Variant Classification Criteria Version 2. Collection method: clinical testing. Allele origin: germline. Affected: yes. Observed: 3 variant alleles.
Comment: ANKRD26: BP4, BS1, BS2

Mayo Clinic Laboratories, Mayo Clinic
Classification: Benign. Last evaluated: 2025-04-08. Review status: criteria provided, single submitter. Criteria: ACMG Guidelines, 2015. Collection method: clinical testing. Allele origin: germline. Observed: 10 variant alleles.
Comment: BS1, BS2

Genome-Nilou Lab
Classification: Benign for Thrombocytopenia 2. Last evaluated: 2021-12-05. Review status: criteria provided, single submitter. Criteria: ACMG Guidelines, 2015. Collection method: clinical testing. Allele origin: germline. Affected: no.

GeneDx
Classification: Likely benign. Last evaluated: 2021-06-01. Review status: criteria provided, single submitter. Criteria: GeneDx Variant Classification Process June 2021. Collection method: clinical testing. Allele origin: germline. Affected: yes.
Comment: This variant is associated with the following publications: (PMID: 29185836, 27931139, 28748566)

Illumina Laboratory Services, Illumina
Classification: Benign for Thrombocytopenia 2. Last evaluated: 2018-01-13. Review status: criteria provided, single submitter. Criteria: ICSL Variant Classification Criteria 13 December 2019. Collection method: clinical testing. Allele origin: germline.
Comment: This variant was observed in the ICSL laboratory as part of a predisposition screen in an ostensibly healthy population. It had not been previously curated by ICSL or reported in the Human Gene Mutation Database (HGMD: prior to June 1st, 2018), and was therefore a candidate for classification through an automated scoring system. Utilizing variant allele frequency, disease prevalence and penetrance estimates, and inheritance mode, an automated score was calculated to assess if this variant is too frequent to cause the disease. Based on the score and internal cut-off values, a variant classified as benign is not then subjected to further curation. The score for this variant resulted in a classification of benign for this disease.

Genetic Services Laboratory, University of Chicago
Classification: Benign. Last evaluated: 2016-11-15. Review status: criteria provided, single submitter. Criteria: ACMG Guidelines, 2015. Collection method: clinical testing. Allele origin: germline. Affected: no.

Breakthrough Genomics
Classification: Likely benign. Review status: criteria provided, single submitter. Criteria: ACMG Guidelines, 2015. Collection method: not provided. Allele origin: germline. Inheritance: Autosomal dominant inheritance. Affected: yes.

PreventionGenetics, part of Exact Sciences
Classification: Benign for ANKRD26-related condition. Last evaluated: 2019-06-05. Review status: no assertion criteria provided. Collection method: clinical testing. Allele origin: germline. Not counted in ClinVar's aggregate classification.
Comment: This variant is classified as benign based on ACMG/AMP sequence variant interpretation guidelines (Richards et al. 2015 PMID: 25741868, with internal and published modifications).